The following is an entry in ClinVar:

NM_000014.6(A2M):c.1757G>A (p.Arg586Gln)

Genes: A2M (alpha-2-macroglobulin; minus strand), KLRG1 (killer cell lectin like receptor G1; plus strand). Cytogenetic location: 12p13.31.
Variant type: single nucleotide variant.
Coding change: c.1757G>A on transcript NM_000014.6 (MANE Select); coding-DNA position 1757, G replaced by A.
Protein change: p.Arg586Gln; replaces arginine 586 with glutamine.
Molecular consequence: missense variant.
Genome position (GRCh38, 1-based): chr12:9,098,701, C>T on the plus strand (G>A on the coding strand, the complement: A2M is on the minus strand). VCF-style: chr12-9098701-C-T. GRCh37 (hg19) VCF-style: chr12-9251297-C-T.
Other names: c.1757G>A, p.Arg586Gln (NM_001347423.2); c.1457G>A, p.Arg486Gln (NM_001347424.2); c.1307G>A, p.Arg436Gln (NM_001347425.2); short protein forms R436Q, R486Q, R586Q.
Identifiers: ClinVar variation 3034349 (VCV003034349.2), dbSNP rs190555000, ClinGen allele CA6438583.
Genomic context (GRCh38, chr12:9,098,701, plus strand): 5'-AGCAGCACGCTTTGGTCCACAGCACGGAGGGCGCAGACGGACTGAGGAGCCGCTGTGACT[C>T]GCAGGTGGGCGTGTGAGGCTGGGAGACTTTGTGATGGGCTGAAGCTCAAATCCACCTGTG-3'
Protein context (NP_000005.3, residues 576-596): QSLPASHAHL[Arg586Gln]VTAAPQSVCA

ClinVar aggregate classification (germline): Likely benign (0 of 4 stars; one submission).

Conditions:
A2M-related disorder. Also called: A2M-related condition.

Allele frequency attached by ClinVar (database versions not stated): gnomAD exomes 0.00007; gnomAD 0.00009; TOPMed 0.00012; ExAC 0.00022; 1000 Genomes Project 30x 0.00031; 1000 Genomes Project 0.00040.
gnomAD v4.1: 109 of 1,612,370 alleles (0.0068%); highest among the groups gnomAD compares: East Asian, 0.23%; no homozygotes.

Submission:

PreventionGenetics, part of Exact Sciences
Classification: Likely benign for A2M-related condition. Last evaluated: 2019-06-13. Review status: no assertion criteria provided. Collection method: clinical testing. Allele origin: germline.
Comment: This variant is classified as likely benign based on ACMG/AMP sequence variant interpretation guidelines (Richards et al. 2015 PMID: 25741868, with internal and published modifications).